The following is an entry in ClinVar:

ClinVar aggregate classification (germline): Benign/Likely benign. Review status: criteria provided, multiple submitters, no conflicts (2 of 4 stars). 3 submissions from 3 submitters: Benign (1); Likely benign (2). Last evaluated 2024-10-16.

Conditions:
Hereditary cancer-predisposing syndrome. Also called: Neoplastic Syndromes, Hereditary; Tumor predisposition; Hereditary Cancer Syndrome; Hereditary neoplastic syndrome. Identifiers: Orphanet 140162, MedGen C0027672, MeSH D009386, MONDO:0015356.
Familial cancer of breast. Also called: BREAST CANCER, FAMILIAL; hereditary breast carcinoma; Hereditary breast cancer. Identifiers: Orphanet 227535, MedGen C0346153, MONDO:0016419, OMIM 114480. Disease mechanism: loss of function.

Allele frequency attached by ClinVar (database versions not stated): gnomAD 0.00001.

Submissions (3):

Labcorp Genetics (formerly Invitae), Labcorp
Classification: Likely benign for Familial cancer of breast. Last evaluated: 2024-10-16. Review status: criteria provided, single submitter. Criteria: Invitae Variant Classification Sherloc (09022015). Collection method: clinical testing. Allele origin: germline.

Myriad Genetics, Inc.
Classification: Benign for Familial cancer of breast. Last evaluated: 2024-07-18. Review status: criteria provided, single submitter. Criteria: Myriad Autosomal Dominant, Autosomal Recessive and X-Linked Classification Criteria (2023). Collection method: clinical testing. Allele origin: unknown.
Comment: This variant is considered benign. This variant is a silent/synonymous amino acid change and it is not expected to impact splicing.

Ambry Genetics
Classification: Likely benign for Hereditary cancer-predisposing syndrome. Last evaluated: 2015-06-30. Review status: criteria provided, single submitter. Criteria: Ambry Variant Classification Scheme 2023. Collection method: clinical testing. Allele origin: germline.

NM_000465.4(BARD1):c.36G>A (p.Pro12=)

Gene: BARD1 (BRCA1 associated RING domain 1; minus strand). Cytogenetic location: 2q35.
Variant type: single nucleotide variant.
Coding change: c.36G>A on transcript NM_000465.4 (MANE Select); coding-DNA position 36, G replaced by A.
Protein change: p.Pro12=; no amino-acid change (proline 12 retained).
Molecular consequence: synonymous variant. On other transcripts: non-coding transcript variant (3).
Genome position (GRCh38, 1-based): chr2:214,809,534, C>T on the plus strand (G>A on the coding strand, the complement: BARD1 is on the minus strand). VCF-style: chr2-214809534-C-T. GRCh37 (hg19) VCF-style: chr2-215674258-C-T.
Other names: c.36G>A, p.Pro12= (NM_001282543.2, NM_001282545.2, NM_001282548.2 and 1 more transcripts).
Identifiers: ClinVar variation 232723 (VCV000232723.17), dbSNP rs876659948, ClinGen allele CA10577871.